The following is an entry in ClinVar:

NM_014974.3(DIP2C):c.2365G>A (p.Val789Met)

Genes: DIP2C (DIP2 acetate--CoA ligase C (putative); minus strand), LOC126860806 (MED14-independent group 3 enhancer GRCh37_chr10:409736-410935; plus strand). Cytogenetic location: 10p15.3.
Variant type: single nucleotide variant.
Coding change: c.2365G>A on transcript NM_014974.3 (MANE Select); coding-DNA position 2365, G replaced by A.
Protein change: p.Val789Met; replaces valine 789 with methionine.
Molecular consequence: missense variant.
Genome position (GRCh38, 1-based): chr10:364,486, C>T on the plus strand (G>A on the coding strand, the complement: DIP2C is on the minus strand). VCF-style: chr10-364486-C-T. GRCh37 (hg19) VCF-style: chr10-410426-C-T.
Other names: c.2365G>A (NM_014974.2); short protein forms V789M.
Identifiers: ClinVar variation 2038773 (VCV002038773.5), dbSNP rs192980741, ClinGen allele CA5380458.

ClinVar aggregate classification (germline): Uncertain significance. Review status: criteria provided, multiple submitters, no conflicts (2 of 4 stars). 2 submissions from 2 submitters: Uncertain significance (2). Last evaluated 2024-10-17.

Conditions:
Inborn genetic diseases. Identifiers: MedGen C0950123, MeSH D030342.

Allele frequency attached by ClinVar (database versions not stated): ExAC 0.00003; 1000 Genomes Project 0.00020; 1000 Genomes Project 30x 0.00031.
gnomAD v4.1: 17 of 1,614,188 alleles (0.0011%); highest among the groups gnomAD compares: Middle Eastern, 0.016%; no homozygotes.

Submissions (2):

Labcorp Genetics (formerly Invitae), Labcorp
Classification: Uncertain significance. Last evaluated: 2024-10-17. Review status: criteria provided, single submitter. Criteria: Invitae Variant Classification Sherloc (09022015). Collection method: clinical testing. Allele origin: germline.
Comment: This sequence change replaces valine, which is neutral and non-polar, with methionine, which is neutral and non-polar, at codon 789 of the DIP2C protein (p.Val789Met). This variant is present in population databases (rs192980741, gnomAD 0.02%). This variant has not been reported in the literature in individuals affected with DIP2C-related conditions. ClinVar contains an entry for this variant (Variation ID: 2038773). An algorithm developed to predict the effect of missense changes on protein structure and function (PolyPhen-2) suggests that this variant is likely to be disruptive. In summary, the available evidence is currently insufficient to determine the role of this variant in disease. Therefore, it has been classified as a Variant of Uncertain Significance.

Ambry Genetics
Classification: Uncertain significance for Inborn genetic diseases. Last evaluated: 2024-10-01. Review status: criteria provided, single submitter. Criteria: Ambry Variant Classification Scheme 2023. Collection method: clinical testing. Allele origin: germline.